The following is an entry in ClinVar:

ClinVar aggregate classification (germline): Uncertain significance. Review status: criteria provided, multiple submitters, no conflicts (2 of 4 stars). 2 submissions from 2 submitters: Uncertain significance (2). Last evaluated 2024-12-02.

Conditions:
Seizures, benign familial infantile, 3 (BFIS3). Also called: CONVULSIONS, BENIGN FAMILIAL INFANTILE, 3; Familial neonatal seizures. Identifiers: Orphanet 140927, Orphanet 306, MedGen C1843140, MONDO:0011904, OMIM 607745.
Developmental and epileptic encephalopathy, 11 (DEE11). Also called: Early infantile epileptic encephalopathy 11. Identifiers: Orphanet 1934, MedGen C3150987, MONDO:0013388, OMIM 613721.

Allele frequency attached by ClinVar (database versions not stated): gnomAD exomes below 0.00001; TOPMed 0.00001.
gnomAD v4.1: 2 of 1,614,038 alleles (0.00012%); highest among the groups gnomAD compares: Non-Finnish European, 0.00017%; no homozygotes.

Submissions (2):

GeneDx
Classification: Uncertain significance. Last evaluated: 2024-12-02. Review status: criteria provided, single submitter. Criteria: GeneDx Variant Classification Process June 2021. Collection method: clinical testing. Allele origin: germline. Affected: yes.
Comment: Not observed at significant frequency in large population cohorts (gnomAD); In silico analysis indicates that this missense variant does not alter protein structure/function; Has not been previously published as pathogenic or benign to our knowledge; This substitution is predicted to be within the C-terminal cytoplasmic domain.

Labcorp Genetics (formerly Invitae), Labcorp
Classification: Uncertain significance for Seizures, benign familial infantile, 3; Developmental and epileptic encephalopathy, 11. Last evaluated: 2023-04-04. Review status: criteria provided, single submitter. Criteria: Invitae Variant Classification Sherloc (09022015). Collection method: clinical testing. Allele origin: germline.
Comment: In summary, the available evidence is currently insufficient to determine the role of this variant in disease. Therefore, it has been classified as a Variant of Uncertain Significance. Advanced modeling of protein sequence and biophysical properties (such as structural, functional, and spatial information, amino acid conservation, physicochemical variation, residue mobility, and thermodynamic stability) performed at Invitae indicates that this missense variant is not expected to disrupt SCN2A protein function. This variant has not been reported in the literature in individuals affected with SCN2A-related conditions. This variant is not present in population databases (gnomAD no frequency). This sequence change replaces isoleucine, which is neutral and non-polar, with methionine, which is neutral and non-polar, at codon 1931 of the SCN2A protein (p.Ile1931Met).

NM_001040142.2(SCN2A):c.5793A>G (p.Ile1931Met)

Gene: SCN2A (sodium voltage-gated channel alpha subunit 2; plus strand). Cytogenetic location: 2q24.3.
Variant type: single nucleotide variant.
Coding change: c.5793A>G on transcript NM_001040142.2 (MANE Select); coding-DNA position 5793, A replaced by G.
Protein change: p.Ile1931Met; replaces isoleucine 1931 with methionine.
Molecular consequence: missense variant.
Genome position (GRCh38, 1-based): chr2:165,389,599, A>G. VCF-style: chr2-165389599-A-G. GRCh37 (hg19) VCF-style: chr2-166246109-A-G.
Other names: c.5793A>G (NM_021007.2); c.5793A>G, p.Ile1931Met (NM_001040143.2, NM_001371246.1, NM_001371247.1 and 1 more transcripts); short protein forms I1931M.
Identifiers: ClinVar variation 2938744 (VCV002938744.4), dbSNP rs1702046343, ClinGen allele CA349040396.
Genomic context (GRCh38, chr2:165,389,599, plus strand): 5'-TATCCAGAGGGCTTACAGACGCTACCTCTTGAAGCAAAAAGTTAAAAAGGTATCAAGTAT[A>G]TACAAGAAAGACAAAGGCAAAGAATGTGATGGAACACCCATCAAAGAAGATACTCTCATT-3'
Protein context (NP_001035232.1, residues 1921-1941): LKQKVKKVSS[Ile1931Met]YKKDKGKECD